The following is an entry in ClinVar:

NM_001009944.3(PKD1):c.9127del (p.Cys3043fs)

Gene: PKD1 (polycystin 1, transient receptor potential channel interacting; minus strand). Cytogenetic location: 16p13.3.
Variant type: Deletion.
Coding change: c.9127del on transcript NM_001009944.3 (MANE Select); coding-DNA position 9127, one base deleted (T; older notation c.9127delT).
Protein change: p.Cys3043fs; shifts the reading frame from cysteine 3043.
Molecular consequence: frameshift variant.
Genome position (GRCh38, 1-based): chr16:2,102,455, A deleted on the plus strand (T on the coding strand, the reverse complement: PKD1 is on the minus strand). VCF-style (leftmost placement, unchanged base first): chr16-2102454-CA-C. GRCh37 (hg19) VCF-style: chr16-2152455-CA-C.
Other names: c.9127del, p.Cys3043fs (NM_000296.4); short protein forms C3043fs.
Identifiers: ClinVar variation 4845326 (VCV004845326.2).

ClinVar aggregate classification (germline): Pathogenic (1 of 4 stars; one submission).

Conditions:
Polycystic kidney disease, adult type (PKD1). Also called: Polycystic Kidney Disease 1, Autosomal Dominant; Polycystic kidney disease 1; Polycystic kidney disease 1, severe; POLYCYSTIC KIDNEY DISEASE 1 WITH OR WITHOUT POLYCYSTIC LIVER DISEASE; Polycystic Kidney, Autosomal Dominant; POLYCYSTIC KIDNEY DISEASE, ADULT, TYPE I. Identifiers: MedGen C3149841, MONDO:0008263, OMIM 173900.

Submission:

Victorian Clinical Genetics Services, Murdoch Childrens Research Institute
Classification: Pathogenic for Polycystic kidney disease, adult type. Last evaluated: 2026-03-04. Review status: criteria provided, single submitter. Criteria: ACMG Guidelines, 2015. Collection method: clinical testing. Allele origin: germline. Affected: yes.
Comment: This variant is classified as Pathogenic. Evidence in support of pathogenic classification: Variant is predicted to cause nonsense-mediated decay (NMD) and loss of protein (premature termination codon is located at least 54 nucleotides upstream of the final exon-exon junction); Variant is absent from gnomAD (v2, v3 and v4); This variant has limited previous evidence of pathogenicity in an unrelated individual. This variant was reported in a family with polycystic kidney disease and regarded as pathogenic (PMID 22508176); Other NMD-predicted variants comparable to the one identified in this case have very strong previous evidence for pathogenicity (DECIPHER). Additional information: This variant is heterozygous; This gene is associated with autosomal dominant disease. Polycystic kidney disease 1 (MIM#173900) is predominantly caused by monoallelic variants, with rare reports of biallelic variants causing disease (OMIM); Loss of function is a known mechanism of disease in this gene and is associated with polycystic kidney disease 1 (MIM#173900). - Inheritance information for this variant is not currently available in this individual.